The following is an entry in ClinVar:

ClinVar aggregate classification (germline): Uncertain significance. Review status: criteria provided, multiple submitters, no conflicts (2 of 4 stars). 2 submissions from 2 submitters: Uncertain significance (2). Last evaluated 2025-08-22.

Conditions:
Hereditary pulmonary alveolar proteinosis. Also called: Pulmonary surfactant metabolism dysfunction. Identifiers: Orphanet 264675, MedGen C3711368, MONDO:0012580.

Allele frequency attached by ClinVar (database versions not stated): ExAC 0.00001; gnomAD 0.00001; gnomAD exomes 0.00005.
gnomAD v4.1: 67 of 1,613,758 alleles (0.0042%); highest among the groups gnomAD compares: Non-Finnish European, 0.0055%; no homozygotes.

Submissions (2):

Labcorp Genetics (formerly Invitae), Labcorp
Classification: Uncertain significance. Last evaluated: 2025-08-22. Review status: criteria provided, single submitter. Criteria: Invitae Variant Classification Sherloc (09022015). Collection method: clinical testing. Allele origin: germline.
Comment: This sequence change replaces proline, which is neutral and non-polar, with leucine, which is neutral and non-polar, at codon 32 of the ABCA3 protein (p.Pro32Leu). This variant is present in population databases (rs771082062, gnomAD 0.005%). This variant has not been reported in the literature in individuals affected with ABCA3-related conditions. ClinVar contains an entry for this variant (Variation ID: 1767520). An algorithm developed to predict the effect of missense changes on protein structure and function (PolyPhen-2) suggests that this variant is likely to be disruptive. In summary, the available evidence is currently insufficient to determine the role of this variant in disease. Therefore, it has been classified as a Variant of Uncertain Significance.

Ambry Genetics
Classification: Uncertain significance for Hereditary pulmonary alveolar proteinosis. Last evaluated: 2021-12-16. Review status: criteria provided, single submitter. Criteria: Ambry Variant Classification Scheme 2023. Collection method: clinical testing. Allele origin: germline.
Comment: The p.P32L variant (also known as c.95C>T), located in coding exon 2 of the ABCA3 gene, results from a C to T substitution at nucleotide position 95. The proline at codon 32 is replaced by leucine, an amino acid with similar properties. This amino acid position is conserved. In addition, this alteration is predicted to be deleterious by in silico analysis. Since supporting evidence is limited at this time, the clinical significance of this alteration remains unclear.

NM_001089.3(ABCA3):c.95C>T (p.Pro32Leu)

Gene: ABCA3 (ATP binding cassette subfamily A member 3; minus strand). Cytogenetic location: 16p13.3.
Variant type: single nucleotide variant.
Coding change: c.95C>T on transcript NM_001089.3 (MANE Select); coding-DNA position 95, C replaced by T.
Protein change: p.Pro32Leu; replaces proline 32 with leucine.
Molecular consequence: missense variant.
Genome position (GRCh38, 1-based): chr16:2,326,234, G>A on the plus strand (C>T on the coding strand, the complement: ABCA3 is on the minus strand). VCF-style: chr16-2326234-G-A. GRCh37 (hg19) VCF-style: chr16-2376235-G-A.
Other names: short protein forms P32L.
Identifiers: ClinVar variation 1767520 (VCV001767520.6), dbSNP rs771082062, ClinGen allele CA7841785.
Genomic context (GRCh38, chr16:2,326,234, plus strand): 5'-GGCACATTTTCCGACTGAATCTTCAAGCGGAGCCAGATGAGGATCCCAGAAAACAGCAAT[G>A]GCAGGAAGAGTTCCAGGACCGTCACCAGGACCTTCCGCTTCTGGAAGAGATACAATAGGG-3'
Protein context (NP_001080.2, residues 22-42): VLVTVLELFL[Pro32Leu]LLFSGILIWL